The following is an entry in ClinVar:

NM_003185.4(TAF4):c.2203C>T (p.Gln735Ter)

Gene: TAF4 (TATA-box binding protein associated factor 4; minus strand). Cytogenetic location: 20q13.33.
Variant type: single nucleotide variant.
Coding change: c.2203C>T on transcript NM_003185.4 (MANE Select); coding-DNA position 2203, C replaced by T.
Protein change: p.Gln735Ter; replaces glutamine 735 with a stop codon.
Molecular consequence: nonsense.
Genome position (GRCh38, 1-based): chr20:62,006,530, G>A on the plus strand (C>T on the coding strand, the complement: TAF4 is on the minus strand). VCF-style: chr20-62006530-G-A. GRCh37 (hg19) VCF-style: chr20-60581586-G-A.
Other names: short protein forms Q735*.
Identifiers: ClinVar variation 4854657 (VCV004854657.1).
Genomic context (GRCh38, chr20:62,006,530, plus strand): 5'-ACGGTGGGCTGTGCAGACCAGTCAGGCGCCCCTTCCATACCAGCGGTGTGGGTTGCCCCT[G>A]CTTGCCGACGCCGACCTGCGTGGGCTGCGTGAGGCTGAGCACAGGGGGCTGGAGGGCACT-3'

ClinVar aggregate classification (germline): Likely pathogenic (1 of 4 stars; one submission).

Conditions:
Intellectual developmental disorder, autosomal dominant 73 (MRD73). Also called: TAF4-RELATED NDD; TAF4-RELATED NEURODEVELOPMENTAL DISORDER. Identifiers: MedGen C5830636, MONDO:0957536, OMIM 620450.

Submission:

3billion
Classification: Likely pathogenic for Intellectual developmental disorder, autosomal dominant 73. Last evaluated: 2025-06-11. Review status: criteria provided, single submitter. Criteria: ACMG Guidelines, 2015. Collection method: clinical testing. Allele origin: germline. Affected: yes.
Comment: The variant is not observed in the gnomAD v4.1.0 dataset. Predicted Consequence/Location: Stop-gained (nonsense): predicted to result in a loss or disruption of normal protein function through nonsense-mediated decay (NMD) or protein truncation. Multiple pathogenic variants are reported downstream of the variant. Therefore, this variant is classified as Likely pathogenic according to the recommendation of ACMG/AMP guideline.